The following is an entry in ClinVar:

ClinVar aggregate classification (germline): Uncertain significance (1 of 4 stars; one submission).

Conditions:
Charcot-Marie-Tooth disease axonal type 2P. Also called: CHARCOT-MARIE-TOOTH NEUROPATHY, TYPE 2P; Charcot-Marie-Tooth Neuropathy Type 2G; CHARCOT-MARIE-TOOTH DISEASE, AXONAL, TYPE 2G; CMT 2G. Identifiers: Orphanet 300319, Orphanet 99941, MedGen C3280797, MONDO:0013753, OMIM 614436.

Allele frequency attached by ClinVar (database versions not stated): ExAC 0.00001.

Submission:

Labcorp Genetics (formerly Invitae), Labcorp
Classification: Uncertain significance for Charcot-Marie-Tooth disease axonal type 2P. Last evaluated: 2022-06-23. Review status: criteria provided, single submitter. Criteria: Invitae Variant Classification Sherloc (09022015). Collection method: clinical testing. Allele origin: germline.
Comment: In summary, the available evidence is currently insufficient to determine the role of this variant in disease. Therefore, it has been classified as a Variant of Uncertain Significance. Algorithms developed to predict the effect of missense changes on protein structure and function are either unavailable or do not agree on the potential impact of this missense change (SIFT: "Tolerated"; PolyPhen-2: "Possibly Damaging"; Align-GVGD: "Class C0"). This variant has not been reported in the literature in individuals affected with LRSAM1-related conditions. This variant is present in population databases (rs771653490, gnomAD 0.001%). This sequence change replaces serine, which is neutral and polar, with asparagine, which is neutral and polar, at codon 450 of the LRSAM1 protein (p.Ser450Asn).

NM_001005373.4(LRSAM1):c.1349G>A (p.Ser450Asn)

Gene: LRSAM1 (leucine rich repeat and sterile alpha motif containing 1; plus strand). Cytogenetic location: 9q33.3.
Variant type: single nucleotide variant.
Coding change: c.1349G>A on transcript NM_001005373.4 (MANE Select); coding-DNA position 1349, G replaced by A.
Protein change: p.Ser450Asn; replaces serine 450 with asparagine.
Molecular consequence: missense variant. On other transcripts: non-coding transcript variant (2).
Genome position (GRCh38, 1-based): chr9:127,489,445, G>A. VCF-style: chr9-127489445-G-A. GRCh37 (hg19) VCF-style: chr9-130251724-G-A.
Other names: c.1349G>A, p.Ser450Asn (NM_001005374.4, NM_001190723.3, NM_001384142.1 and 2 more transcripts); c.560G>A, p.Ser187Asn (NM_001384144.1); short protein forms S450N, S187N.
Identifiers: ClinVar variation 1895893 (VCV001895893.5), dbSNP rs771653490, ClinGen allele CA5246954.